The following is an entry in ClinVar:

ClinVar aggregate classification (germline): Likely pathogenic. Review status: criteria provided, multiple submitters, no conflicts (2 of 4 stars). 3 submissions from 3 submitters: Likely pathogenic (3). Last evaluated 2023-05-11.

Conditions:
Heimler syndrome 2 (HMLR2). Also called: PEROXISOME BIOGENESIS DISORDER 4C. Identifiers: Orphanet 3220, MedGen C4225267, OMIM 616617, MONDO:0014709.
Peroxisome biogenesis disorder. Identifiers: Orphanet 79189, MedGen C1832200, MONDO:0019234. Disease mechanism: loss of function.

Allele frequency attached by ClinVar (database versions not stated): gnomAD exomes below 0.00001.

Submissions (3):

Baylor Genetics
Classification: Likely pathogenic for Heimler syndrome 2. Last evaluated: 2023-05-11. Review status: criteria provided, single submitter. Criteria: ACMG Guidelines, 2015. Collection method: clinical testing. Allele origin: unknown.

Labcorp Genetics (formerly Invitae), Labcorp
Classification: Likely pathogenic for Peroxisome biogenesis disorder. Last evaluated: 2021-10-03. Review status: criteria provided, single submitter. Criteria: Invitae Variant Classification Sherloc (09022015). Collection method: clinical testing. Allele origin: germline.
Comment: In summary, the currently available evidence indicates that the variant is pathogenic, but additional data are needed to prove that conclusively. Therefore, this variant has been classified as Likely Pathogenic. Algorithms developed to predict the effect of sequence changes on RNA splicing suggest that this variant may disrupt the consensus splice site. ClinVar contains an entry for this variant (Variation ID: 667387). This variant has not been reported in the literature in individuals affected with PEX6-related conditions. This variant is not present in population databases (ExAC no frequency). This sequence change affects a donor splice site in intron 10 of the PEX6 gene. It is expected to disrupt RNA splicing. Variants that disrupt the donor or acceptor splice site typically lead to a loss of protein function (PMID: 16199547), and loss-of-function variants in PEX6 are known to be pathogenic (PMID: 8670792, 19877282, 21031596).

Laboratory for Molecular Medicine, Mass General Brigham Personalized Medicine
Classification: Likely pathogenic for Peroxisome biogenesis disorder. Last evaluated: 2018-08-23. Review status: criteria provided, single submitter. Criteria: LMM Criteria. Collection method: clinical testing. Allele origin: germline. Inheritance: Autosomal recessive inheritance. Observed: 1 variant allele.
Comment: The c.2094+1G>A variant in PEX6 has not been reported in individuals with Zellwe ger spectrum disorder and was absent from large population studies. This variant occurs in the invariant region (+/- 1,2) of the splice consensus sequence and i s predicted to cause altered splicing leading to an abnormal or absent protein. A similar variant affecting this splice site (2094+2T>C) has been identified in an individual with a peroxisomal biogenesis disorder where it was shown to lead to retention of intron 10. Loss of function of the PEX6 gene is an established d isease mechanism in autosomal recessive Zellweger syndrome and other peroxisome biogenesis disorders. In summary, although additional studies are required to fu lly establish its clinical significance, the c.2094+1G>A variant is likely patho genic for Zellweger spectrum disorder. ACMG/AMP Criteria applied: PVS1_Strong. P M2.

Literature cited by the submitters: PubMed 16199547 (cited by Labcorp Genetics (formerly Invitae), Labcorp); PubMed 8670792 (cited by Labcorp Genetics (formerly Invitae), Labcorp); PubMed 19877282 (cited by Labcorp Genetics (formerly Invitae), Labcorp); PubMed 21031596 (cited by Labcorp Genetics (formerly Invitae), Labcorp).

NM_000287.4(PEX6):c.2094+1G>A

Gene: PEX6 (peroxisomal biogenesis factor 6; minus strand). Cytogenetic location: 6p21.1.
Variant type: single nucleotide variant.
Coding change: c.2094+1G>A on transcript NM_000287.4 (MANE Select); the canonical splice donor site of the intron after coding-DNA position 2094, G replaced by A.
Molecular consequence: splice donor variant. On other transcripts: non-coding transcript variant (1).
Genome position (GRCh38, 1-based): chr6:42,966,524, C>T on the plus strand (G>A on the coding strand, the complement: PEX6 is on the minus strand). VCF-style: chr6-42966524-C-T. GRCh37 (hg19) VCF-style: chr6-42934262-C-T.
Other names: c.1830+1G>A (NM_001316313.2).
Identifiers: ClinVar variation 667387 (VCV000667387.11), dbSNP rs1581760572, ClinGen allele CA364152575.